The following is an entry in ClinVar:

ClinVar aggregate classification (germline): Uncertain significance (1 of 4 stars; one submission).

Conditions:
Inflammatory bowel disease 13 (IBD13). Also called: Inflammatory bowel disease 13, susceptibility to. Identifiers: MedGen C2677101, MONDO:0012831, OMIM 612244.

Submission:

Paediatric Laboratory, Institute for Maternal and Child Health - IRCCS Burlo Garofolo
Classification: Uncertain significance for Inflammatory bowel disease 13. Last evaluated: 2024-12-02. Review status: criteria provided, single submitter. Criteria: ACMG Guidelines, 2015. Collection method: clinical testing. Allele origin: germline. Affected: yes.
Comment: Polymorphisms in the ABCB1 gene, also known as MDR1, have been associated in the literature with an increased risk of inflammatory bowel disease (PMID:14610718; PMID:19107781). The NM_001348945.2:c.4A>T variant, predicted to result in the substitution of the serine residue in position 2 with a cysteine, is rare, having been found in 5 out of 152,160 genomes in the gnomAD v4.1.0 population database (allele frequency: 0.0053%). Given that it does not meet any ACMG criteria for either pathogenicity or benign impact, it is classified as a variant of unknown significance (VUS).

NM_001348945.2(ABCB1):c.4A>T (p.Ser2Cys)

Gene: ABCB1 (ATP binding cassette subfamily B member 1; minus strand). Cytogenetic location: 7q21.12.
Variant type: single nucleotide variant.
Coding change: c.4A>T on transcript NM_001348945.2; coding-DNA position 4, A replaced by T.
Protein change: p.Ser2Cys; replaces serine 2 with cysteine.
Molecular consequence: missense variant. On other transcripts: intron variant (2).
Genome position (GRCh38, 1-based): chr7:87,602,983, T>A on the plus strand (A>T on the coding strand, the complement: ABCB1 is on the minus strand). VCF-style: chr7-87602983-T-A. GRCh37 (hg19) VCF-style: chr7-87232299-T-A.
Other names: NP_001335874.1:p.(Ser2Cys); c.-183-1905A>T (NM_001348944.2); c.-330-1905A>T (NM_000927.5); short protein forms S2C.
Identifiers: ClinVar variation 3393332 (VCV003393332.2).